The following is an entry in ClinVar:

NM_173660.5(DOK7):c.220C>T (p.Leu74=)

Gene: DOK7 (docking protein 7; plus strand). Cytogenetic location: 4p16.3.
Variant type: single nucleotide variant.
Coding change: c.220C>T on transcript NM_173660.5 (MANE Select); coding-DNA position 220, C replaced by T.
Protein change: p.Leu74=; no amino-acid change (leucine 74 retained).
Molecular consequence: synonymous variant. On other transcripts: intron variant (1).
Genome position (GRCh38, 1-based): chr4:3,473,525, C>T. VCF-style: chr4-3473525-C-T. GRCh37 (hg19) VCF-style: chr4-3475252-T-T.
Other names: c.220C>T, p.Leu74= (NM_001164673.2, NM_001301071.2); c.100+9974C>T (NM_001363811.2).
Identifiers: ClinVar variation 3760913 (VCV003760913.2).
Genomic context (GRCh38, chr4:3,473,525, plus strand): 5'-CGCAGCAGCCTGACGCTAGAGGACATCTGCGGGCTGGAGCCCGGCCTGCCCTACGAGGGC[C>T]TGGTCCACACGCTGGCCATTGTCTGCCTGTCCCAGGCCATCATGCTGGGCTTTGACAGCC-3'
Protein context (NP_775931.3, residues 64-84): GLEPGLPYEG[Leu74=]VHTLAIVCLS

ClinVar aggregate classification (germline): Uncertain significance (1 of 4 stars; one submission).

Conditions:
Fetal akinesia deformation sequence 1 (FADS1). Also called: Pena-Shokeir syndrome type I; Fetal akinesia sequence. Identifiers: Orphanet 994, MedGen C1276035, MONDO:0100101, OMIM 208150, HP:0001989.
Congenital myasthenic syndrome 10. Also called: Myasthenia, limb-girdle, familial. Identifiers: Orphanet 590, MedGen C1850792, MONDO:0009690, OMIM 254300.

Submission:

Labcorp Genetics (formerly Invitae), Labcorp
Classification: Uncertain significance for Congenital myasthenic syndrome 10; Fetal akinesia deformation sequence 1. Last evaluated: 2024-10-16. Review status: criteria provided, single submitter. Criteria: Invitae Variant Classification Sherloc (09022015). Collection method: clinical testing. Allele origin: germline.
Comment: This sequence change affects codon 74 of the DOK7 mRNA. It is a 'silent' change, meaning that it does not change the encoded amino acid sequence of the DOK7 protein. This variant is not present in population databases (gnomAD no frequency). This variant has not been reported in the literature in individuals affected with DOK7-related conditions. Experimental studies and prediction algorithms are not available or were not evaluated, and the effect of this variant on mRNA splicing is currently unknown. In summary, the available evidence is currently insufficient to determine the role of this variant in disease. Therefore, it has been classified as a Variant of Uncertain Significance.